The following is an entry in ClinVar:

ClinVar aggregate classification (germline): Likely benign (1 of 4 stars; one submission).

Allele frequency attached by ClinVar (database versions not stated): TOPMed 0.00002; gnomAD 0.00003 and 0.00004.
gnomAD v4.1: 4 of 1,613,232 alleles (0.00025%); highest among the groups gnomAD compares: African/African-American, 0.0053%; no homozygotes.

Submission:

GeneDx
Classification: Likely benign. Last evaluated: 2013-11-02. Review status: criteria provided, single submitter. Criteria: GeneDx Variant Classification (06012015). Collection method: clinical testing. Allele origin: germline. Affected: yes.
Comment: This variant is considered likely benign or benign based on one or more of the following criteria: it is a conservative change, it occurs at a poorly conserved position in the protein, it is predicted to be benign by multiple in silico algorithms, and/or has population frequency not consistent with disease.

NM_133259.4(LRPPRC):c.262A>C (p.Met88Leu)

Gene: LRPPRC (leucine rich pentatricopeptide repeat containing; minus strand). Cytogenetic location: 2p21.
Variant type: single nucleotide variant.
Coding change: c.262A>C on transcript NM_133259.4 (MANE Select); coding-DNA position 262, A replaced by C.
Protein change: p.Met88Leu; replaces methionine 88 with leucine.
Molecular consequence: missense variant.
Genome position (GRCh38, 1-based): chr2:43,982,322, T>G on the plus strand (A>C on the coding strand, the complement: LRPPRC is on the minus strand). VCF-style: chr2-43982322-T-G. GRCh37 (hg19) VCF-style: chr2-44209461-T-G.
Other names: p.M88L:ATG>CTG; short protein forms M88L.
Identifiers: ClinVar variation 214582 (VCV000214582.1), dbSNP rs863224049, ClinGen allele CA323388.